The following is an entry in ClinVar:

ClinVar aggregate classification (germline): Uncertain significance (1 of 4 stars; one submission).

Conditions:
Fanconi anemia (FA). Also called: Fanconi's anemia. Identifiers: Orphanet 84, MedGen C0015625, MeSH D005199, MONDO:0019391.

Submission:

Labcorp Genetics (formerly Invitae), Labcorp
Classification: Uncertain significance for Fanconi anemia. Last evaluated: 2022-11-14. Review status: criteria provided, single submitter. Criteria: Invitae Variant Classification Sherloc (09022015). Collection method: clinical testing. Allele origin: germline.
Comment: Algorithms developed to predict the effect of sequence changes on RNA splicing suggest that this variant is not likely to affect RNA splicing. This variant has not been reported in the literature in individuals affected with FANCA-related conditions. This variant is not present in population databases (gnomAD no frequency). This sequence change affects codon 1276 of the FANCA mRNA. It is a 'silent' change, meaning that it does not change the encoded amino acid sequence of the FANCA protein. It affects a nucleotide within the consensus splice site. In summary, the available evidence is currently insufficient to determine the role of this variant in disease. Therefore, it has been classified as a Variant of Uncertain Significance.

NM_000135.4(FANCA):c.3828T>C (p.Asn1276=)

Genes: FANCA (FA complementation group A; minus strand), ZNF276 (zinc finger protein 276; plus strand), LOC132090445 (Neanderthal introgressed variant-containing enhancer experimental_46704; plus strand). Cytogenetic location: 16q24.3.
Variant type: single nucleotide variant.
Coding change: c.3828T>C on transcript NM_000135.4 (MANE Select); coding-DNA position 3828, T replaced by C.
Protein change: p.Asn1276=; no amino-acid change (asparagine 1276 retained).
Molecular consequence: synonymous variant. On other transcripts: 3 prime UTR variant (2), non-coding transcript variant (4).
Genome position (GRCh38, 1-based): chr16:89,740,804, A>G on the plus strand (T>C on the coding strand, the complement: FANCA is on the minus strand). VCF-style: chr16-89740804-A-G. GRCh37 (hg19) VCF-style: chr16-89807212-A-G.
Other names: c.3828T>C, p.Asn1276= (NM_001286167.3); c.*2558A>G (NM_001113525.2, NM_152287.4).
Identifiers: ClinVar variation 2994915 (VCV002994915.1), dbSNP rs1270807019, ClinGen allele CA497194456.